The following is an entry in ClinVar:

NM_001130987.2(DYSF):c.1693-62C>T

Gene: DYSF (dysferlin; plus strand). Cytogenetic location: 2p13.2.
Variant type: single nucleotide variant.
Coding change: c.1693-62C>T on transcript NM_001130987.2 (MANE Select); 62 bases into the intron before coding-DNA position 1693, C replaced by T.
Molecular consequence: intron variant.
Genome position (GRCh38, 1-based): chr2:71,551,545, C>T. VCF-style: chr2-71551545-C-T. GRCh37 (hg19) VCF-style: chr2-71778675-C-T.
Other names: c.1732-62C>T (NM_001130979.2); c.1690-62C>T (NM_001130981.2, NM_001130980.2); c.1639-62C>T (NM_001130978.2, NM_003494.4); c.1597-62C>T (NM_001130977.2, NM_001130976.2); c.1735-62C>T (NM_001130982.2); c.1693-62C>T (NM_001130985.2); c.1642-62C>T (NM_001130983.2, NM_001130455.2); c.1600-62C>T (NM_001130984.2, NM_001130986.2).
Identifiers: ClinVar variation 678254 (VCV000678254.2), dbSNP rs2303593, ClinGen allele CA49793395.

ClinVar aggregate classification (germline): Benign. Review status: criteria provided, multiple submitters, no conflicts (2 of 4 stars). 2 submissions from 2 submitters: Benign (2). Last evaluated 2018-06-16.

Allele frequency attached by ClinVar (database versions not stated): gnomAD 0.05035; TOPMed 0.05726; 1000 Genomes Project 0.05731; 1000 Genomes Project 30x 0.06324.
gnomAD v4.1: 15,552 of 1,424,968 alleles (1.1%); highest among the groups gnomAD compares: African/African-American, 17%; 1,096 homozygotes.

Submissions (2):

GeneDx
Classification: Benign. Last evaluated: 2018-06-16. Review status: criteria provided, single submitter. Criteria: GeneDx Variant Classification (06012015). Collection method: clinical testing. Allele origin: germline. Affected: yes.
Comment: This variant is considered likely benign or benign based on one or more of the following criteria: it is a conservative change, it occurs at a poorly conserved position in the protein, it is predicted to be benign by multiple in silico algorithms, and/or has population frequency not consistent with disease.

Breakthrough Genomics
Classification: Benign. Review status: criteria provided, single submitter. Criteria: ACMG Guidelines, 2015. Collection method: not provided. Allele origin: germline. Inheritance: Autosomal recessive inheritance. Affected: yes.